The following is an entry in ClinVar:

ClinVar aggregate classification (germline): Uncertain significance (1 of 4 stars; one submission).

Allele frequency attached by ClinVar (database versions not stated): gnomAD exomes below 0.00001.
gnomAD v4.1: 1 of 1,612,792 alleles (0.000062%); highest among the groups gnomAD compares: Non-Finnish European, 0.000085%; no homozygotes.

Submission:

GeneDx
Classification: Uncertain significance. Last evaluated: 2025-05-10. Review status: criteria provided, single submitter. Criteria: GeneDx Variant Classification Process June 2021. Collection method: clinical testing. Allele origin: germline. Affected: yes.
Comment: Not observed at significant frequency in large population cohorts (gnomAD); In silico analysis supports that this missense variant has a deleterious effect on protein structure/function; Has not been previously published as pathogenic or benign to our knowledge

NM_000458.4(HNF1B):c.239C>T (p.Ser80Phe)

Gene: HNF1B (HNF1 homeobox B; minus strand). Cytogenetic location: 17q12.
Variant type: single nucleotide variant.
Coding change: c.239C>T on transcript NM_000458.4 (MANE Select); coding-DNA position 239, C replaced by T.
Protein change: p.Ser80Phe; replaces serine 80 with phenylalanine.
Molecular consequence: missense variant.
Genome position (GRCh38, 1-based): chr17:37,744,646, G>A on the plus strand (C>T on the coding strand, the complement: HNF1B is on the minus strand). VCF-style: chr17-37744646-G-A. GRCh37 (hg19) VCF-style: chr17-36104637-G-A.
Other names: c.239C>T, p.Ser80Phe (NM_001165923.4, NM_001304286.2); short protein forms S80F.
Identifiers: ClinVar variation 1317364 (VCV001317364.3), dbSNP rs942582464, ClinGen allele CA290293142.